The following is an entry in ClinVar:

NM_020771.4(HACE1):c.1749T>G (p.Ala583=)

Gene: HACE1 (HECT domain and ankyrin repeat containing E3 ubiquitin protein ligase 1; minus strand). Cytogenetic location: 6q16.3.
Variant type: single nucleotide variant.
Coding change: c.1749T>G on transcript NM_020771.4 (MANE Select); coding-DNA position 1749, T replaced by G.
Protein change: p.Ala583=; no amino-acid change (alanine 583 retained).
Molecular consequence: synonymous variant. On other transcripts: non-coding transcript variant (7).
Genome position (GRCh38, 1-based): chr6:104,777,040, A>C on the plus strand (T>G on the coding strand, the complement: HACE1 is on the minus strand). VCF-style: chr6-104777040-A-C. GRCh37 (hg19) VCF-style: chr6-105224915-A-C.
Other names: c.1617T>G, p.Ala539= (NM_001321080.2); c.1647T>G, p.Ala549= (NM_001321083.2); c.1245T>G, p.Ala415= (NM_001321084.2, NM_001350557.2, NM_001350558.2); c.1515T>G, p.Ala505= (NM_001350554.2); c.1458T>G, p.Ala486= (NM_001350555.2); c.1263T>G, p.Ala421= (NM_001350556.2); c.1167T>G, p.Ala389= (NM_001350559.2); c.966T>G, p.Ala322= (NM_001350560.2); and 1 more.
Identifiers: ClinVar variation 2174373 (VCV002174373.5), dbSNP rs552271258, ClinGen allele CA3940181.

ClinVar aggregate classification (germline): Likely benign. Review status: criteria provided, multiple submitters, no conflicts (2 of 4 stars). 2 submissions from 2 submitters: Likely benign (2). Last evaluated 2026-01-25.

Conditions:
HACE1-related disorder. Also called: HACE1-related condition.

Allele frequency attached by ClinVar (database versions not stated): ExAC 0.00001; gnomAD 0.00002; TOPMed 0.00003.
gnomAD v4.1: 26 of 1,611,836 alleles (0.0016%); highest among the groups gnomAD compares: Admixed American, 0.042%; no homozygotes.

Submissions (2):

Labcorp Genetics (formerly Invitae), Labcorp
Classification: Likely benign. Last evaluated: 2026-01-25. Review status: criteria provided, single submitter. Criteria: Invitae Variant Classification Sherloc (09022015). Collection method: clinical testing. Allele origin: germline.

PreventionGenetics, part of Exact Sciences
Classification: Likely benign for HACE1-related condition. Last evaluated: 2026-01-22. Review status: criteria provided, single submitter. Criteria: ACMG Guidelines, 2015. Collection method: clinical testing. Allele origin: germline.
Comment: This variant is classified as likely benign based on ACMG/AMP sequence variant interpretation guidelines (Richards et al. 2015 PMID: 25741868, with internal and published modifications).